The following is an entry in ClinVar:

ClinVar aggregate classification (germline): Uncertain significance (1 of 4 stars; one submission).

Conditions:
Norman-Roberts syndrome (LIS2). Also called: Lissencephaly 2 (Norman-Roberts type). Identifiers: Orphanet 89844, MedGen C0796089, MONDO:0009760, OMIM 257320.
Familial temporal lobe epilepsy 7. Identifiers: Orphanet 101046, MedGen C4225327, MONDO:0014639, OMIM 616436.

Submission:

Labcorp Genetics (formerly Invitae), Labcorp
Classification: Uncertain significance for Familial temporal lobe epilepsy 7; Norman-Roberts syndrome. Last evaluated: 2025-08-18. Review status: criteria provided, single submitter. Criteria: Invitae Variant Classification Sherloc (09022015). Collection method: clinical testing. Allele origin: germline.
Comment: This sequence change replaces methionine, which is neutral and non-polar, with isoleucine, which is neutral and non-polar, at codon 2185 of the RELN protein (p.Met2185Ile). This variant is not present in population databases (gnomAD no frequency). This variant has not been reported in the literature in individuals affected with RELN-related conditions. Invitae Evidence Modeling of protein sequence and biophysical properties (such as structural, functional, and spatial information, amino acid conservation, physicochemical variation, residue mobility, and thermodynamic stability) indicates that this missense variant is not expected to disrupt RELN protein function with a negative predictive value of 80%. In summary, the available evidence is currently insufficient to determine the role of this variant in disease. Therefore, it has been classified as a Variant of Uncertain Significance.

NM_005045.4(RELN):c.6555G>C (p.Met2185Ile)

Gene: RELN (reelin; minus strand). Cytogenetic location: 7q22.1.
Variant type: single nucleotide variant.
Coding change: c.6555G>C on transcript NM_005045.4 (MANE Select); coding-DNA position 6555, G replaced by C.
Protein change: p.Met2185Ile; replaces methionine 2185 with isoleucine.
Molecular consequence: missense variant.
Genome position (GRCh38, 1-based): chr7:103,542,847, C>G on the plus strand (G>C on the coding strand, the complement: RELN is on the minus strand). VCF-style: chr7-103542847-C-G. GRCh37 (hg19) VCF-style: chr7-103183294-C-G.
Other names: c.6555G>C, p.Met2185Ile (NM_173054.3); short protein forms M2185I.
Identifiers: ClinVar variation 4782683 (VCV004782683.1).